The following is an entry in ClinVar:

ClinVar aggregate classification (germline): Uncertain significance (1 of 4 stars; one submission).

Conditions:
Brugada syndrome 8 (BRGDA8). Identifiers: Orphanet 130, MedGen C2751083, MONDO:0013148, OMIM 613123.

Submission:

Labcorp Genetics (formerly Invitae), Labcorp
Classification: Uncertain significance for Brugada syndrome 8. Last evaluated: 2024-10-09. Review status: criteria provided, single submitter. Criteria: Invitae Variant Classification Sherloc (09022015). Collection method: clinical testing. Allele origin: germline.
Comment: This sequence change replaces alanine, which is neutral and non-polar, with serine, which is neutral and polar, at codon 867 of the HCN4 protein (p.Ala867Ser). This variant is not present in population databases (gnomAD no frequency). This variant has not been reported in the literature in individuals affected with HCN4-related conditions. Invitae Evidence Modeling of protein sequence and biophysical properties (such as structural, functional, and spatial information, amino acid conservation, physicochemical variation, residue mobility, and thermodynamic stability) indicates that this missense variant is not expected to disrupt HCN4 protein function with a negative predictive value of 95%. In summary, the available evidence is currently insufficient to determine the role of this variant in disease. Therefore, it has been classified as a Variant of Uncertain Significance.

NM_005477.3(HCN4):c.2599G>T (p.Ala867Ser)

Gene: HCN4 (hyperpolarization activated cyclic nucleotide gated potassium channel 4; minus strand). Cytogenetic location: 15q24.1.
Variant type: single nucleotide variant.
Coding change: c.2599G>T on transcript NM_005477.3 (MANE Select); coding-DNA position 2599, G replaced by T.
Protein change: p.Ala867Ser; replaces alanine 867 with serine.
Molecular consequence: missense variant.
Genome position (GRCh38, 1-based): chr15:73,323,494, C>A on the plus strand (G>T on the coding strand, the complement: HCN4 is on the minus strand). VCF-style: chr15-73323494-C-A. GRCh37 (hg19) VCF-style: chr15-73615835-C-A.
Other names: short protein forms A867S.
Identifiers: ClinVar variation 3636613 (VCV003636613.2).